The following is an entry in ClinVar:

NM_138927.4(SON):c.2422A>G (p.Thr808Ala)

Gene: SON (SON DNA and RNA binding protein; plus strand). Cytogenetic location: 21q22.11.
Variant type: single nucleotide variant.
Coding change: c.2422A>G on transcript NM_138927.4 (MANE Select); coding-DNA position 2422, A replaced by G.
Protein change: p.Thr808Ala; replaces threonine 808 with alanine.
Molecular consequence: missense variant. On other transcripts: non-coding transcript variant (1), intron variant (1).
Genome position (GRCh38, 1-based): chr21:33,551,653, A>G. VCF-style: chr21-33551653-A-G. GRCh37 (hg19) VCF-style: chr21-34923959-A-G.
Other names: c.2422A>G, p.Thr808Ala (NM_001291411.2, NM_032195.3); c.244+5274A>G (NM_001291412.3); short protein forms T808A.
Identifiers: ClinVar variation 1613597 (VCV001613597.25), dbSNP rs139990560, ClinGen allele CA10009100.
Genomic context (GRCh38, chr21:33,551,653, plus strand): 5'-ACTAGCACTATGGACTCCCAGATGTTAGCAACCAGTTCCATGGACTCCCAGATGTTAGCA[A>G]CCAGCTCCATGGACTCCCAGATGTTAGCAACCAGCTCCATGGACTCCCAGATGTTAGCAA-3'
Protein context (NP_620305.3, residues 798-818): TSSMDSQMLA[Thr808Ala]SSMDSQMLAT

ClinVar aggregate classification (germline): Likely benign. Review status: criteria provided, multiple submitters, no conflicts (2 of 4 stars). 2 submissions from 2 submitters: Likely benign (2). Last evaluated 2026-03-01.

Allele frequency attached by ClinVar (database versions not stated): ESP Exome Variant Server 0.00008; gnomAD exomes 0.00019 and 0.00035; ExAC 0.00027; gnomAD 0.00038 and 0.00039.
gnomAD v4.1: 270 of 1,609,920 alleles (0.017%); highest among the groups gnomAD compares: Non-Finnish European, 0.0047%; no homozygotes.

Submissions (2):

CeGaT Center for Human Genetics Tuebingen
Classification: Likely benign. Last evaluated: 2026-03-01. Review status: criteria provided, single submitter. Criteria: CeGaT Center For Human Genetics Tuebingen Variant Classification Criteria Version 2. Collection method: clinical testing. Allele origin: germline. Affected: yes. Observed: 2 variant alleles.
Comment: SON: BS2

Labcorp Genetics (formerly Invitae), Labcorp
Classification: Likely benign. Last evaluated: 2025-06-09. Review status: criteria provided, single submitter. Criteria: Invitae Variant Classification Sherloc (09022015). Collection method: clinical testing. Allele origin: germline.